The following is an entry in ClinVar:

ClinVar aggregate classification (germline): Likely pathogenic (1 of 4 stars; one submission).

Conditions:
COG5-congenital disorder of glycosylation. Also called: COG5-CDG; CDG IIi; CONGENITAL DISORDER OF GLYCOSYLATION, TYPE IIi. Identifiers: Orphanet 263487, MedGen C3150876, MONDO:0013325, OMIM 613612.

Submission:

Juno Genomics, Hangzhou Juno Genomics, Inc
Classification: Likely pathogenic for COG5-congenital disorder of glycosylation. Review status: criteria provided, single submitter. Criteria: ACMG Guidelines, 2015. Collection method: clinical testing. Allele origin: germline.
Comment: Null variant in a gene where loss of function (LOF) is a known mechanism of disease.;Absent from controls (or at extremely low frequency if recessive) in Genome Aggregation Database.

NM_006348.5(COG5):c.832dup (p.Arg278fs)

Gene: COG5 (component of oligomeric golgi complex 5; minus strand). Cytogenetic location: 7q22.3.
Variant type: Duplication.
Coding change: c.832dup on transcript NM_006348.5 (MANE Select); coding-DNA position 832, one base duplicated (A; older notation c.832dupA).
Protein change: p.Arg278fs; shifts the reading frame from arginine 278.
Molecular consequence: frameshift variant. On other transcripts: intron variant (2).
Genome position (GRCh38, 1-based): chr7:107,372,598, T duplicated on the plus strand (A on the coding strand, the reverse complement: COG5 is on the minus strand). VCF-style (leftmost placement, unchanged base first): chr7-107372597-C-CT. GRCh37 (hg19) VCF-style: chr7-107013042-C-CT.
Other names: c.832dup, p.Arg278fs (NM_001161520.2, NM_001379511.1, NM_001379512.1 and 3 more transcripts); c.235-10488dup (NM_001379516.1); c.539-74252dup (NM_001379515.1); short protein forms R278fs.
Identifiers: ClinVar variation 5007131 (VCV005007131.2).